The following is an entry in ClinVar:

ClinVar aggregate classification (germline): Uncertain significance (1 of 4 stars; one submission).

Allele frequency attached by ClinVar (database versions not stated): gnomAD 0.00001; gnomAD exomes 0.00001; TOPMed 0.00001.
gnomAD v4.1: 4 of 1,607,214 alleles (0.00025%); highest among the groups gnomAD compares: Admixed American, 0.005%; no homozygotes.

Submission:

Labcorp Genetics (formerly Invitae), Labcorp
Classification: Uncertain significance. Last evaluated: 2024-04-22. Review status: criteria provided, single submitter. Criteria: Invitae Variant Classification Sherloc (09022015). Collection method: clinical testing. Allele origin: germline.
Comment: This sequence change replaces isoleucine, which is neutral and non-polar, with valine, which is neutral and non-polar, at codon 541 of the AHDC1 protein (p.Ile541Val). This variant is present in population databases (no rsID available, gnomAD 0.009%). This variant has not been reported in the literature in individuals affected with AHDC1-related conditions. An algorithm developed to predict the effect of missense changes on protein structure and function (PolyPhen-2) suggests that this variant is likely to be tolerated. In summary, the available evidence is currently insufficient to determine the role of this variant in disease. Therefore, it has been classified as a Variant of Uncertain Significance.

NM_001371928.1(AHDC1):c.1621A>G (p.Ile541Val)

Gene: AHDC1 (AT-hook DNA binding motif containing 1; minus strand). Cytogenetic location: 1p36.11.
Variant type: single nucleotide variant.
Coding change: c.1621A>G on transcript NM_001371928.1 (MANE Select); coding-DNA position 1621, A replaced by G.
Protein change: p.Ile541Val; replaces isoleucine 541 with valine.
Molecular consequence: missense variant.
Genome position (GRCh38, 1-based): chr1:27,550,495, T>C on the plus strand (A>G on the coding strand, the complement: AHDC1 is on the minus strand). VCF-style: chr1-27550495-T-C. GRCh37 (hg19) VCF-style: chr1-27877006-T-C.
Other names: c.1621A>G, p.Ile541Val (NM_001029882.3); short protein forms I541V.
Identifiers: ClinVar variation 3001251 (VCV003001251.3), dbSNP rs890829166, ClinGen allele CA19877249.